The following is an entry in ClinVar:

NM_020919.4(ALS2):c.-60-2A>G

Gene: ALS2 (alsin Rho guanine nucleotide exchange factor ALS2; minus strand). Cytogenetic location: 2q33.1.
Variant type: single nucleotide variant.
Coding change: c.-60-2A>G on transcript NM_020919.4 (MANE Select); the canonical splice acceptor site of the intron before 60 bases upstream of the start codon, A replaced by G.
Molecular consequence: splice acceptor variant.
Genome position (GRCh38, 1-based): chr2:201,768,947, T>C on the plus strand (A>G on the coding strand, the complement: ALS2 is on the minus strand). VCF-style: chr2-201768947-T-C. GRCh37 (hg19) VCF-style: chr2-202633670-T-C.
Other names: c.-60-2A>G (NM_020919.3, NM_001410975.1, NM_001135745.2).
Identifiers: ClinVar variation 1299787 (VCV001299787.3), dbSNP rs532217889, ClinGen allele CA63977781.
Genomic context (GRCh38, chr2:201,768,947, plus strand): 5'-GGTCAGTGGGAACACTCCATCACCAAATCATTCCTTCTTTACAGAAAGTCTATCAAGACC[T>C]AAACAGTACAAGTAAGGAAAAGAGCAGTAAAAGAATATTTTACCCCTCAGACATTAAAAA-3'

ClinVar aggregate classification (germline): Conflicting classifications of pathogenicity. Review status: criteria provided, conflicting classifications (1 of 4 stars). 4 submissions from 4 submitters: Likely pathogenic (1); Uncertain significance (1). 2 of the submissions do not count toward it. Last evaluated 2026-03-31.

Conditions:
ALS2-related disorder. Also called: ALS2-related condition; ALS2-Related Spectrum Disorders; ALS2-related disorders. Identifiers: MedGen CN169291.

Allele frequency attached by ClinVar (database versions not stated): gnomAD exomes 0.00003; TOPMed 0.00003; gnomAD 0.00005 and 0.00006.
gnomAD v4.1: 50 of 1,504,544 alleles (0.0033%); highest among the groups gnomAD compares: Non-Finnish European, 0.0043%; no homozygotes.

Submissions (4):

Women's Health and Genetics/Laboratory Corporation of America, LabCorp
Classification: Uncertain significance. Last evaluated: 2026-03-31. Review status: criteria provided, single submitter. Criteria: LabCorp Variant Classification Summary - May 2015. Collection method: clinical testing. Allele origin: germline.
Comment: Variant summary: ALS2 c.-60-2A>G is located in the untranslated mRNA region upstream of the initiation codon. Several computational tools predict a significant impact on normal splicing: four predict the variant abolishes a 3' acceptor site and strengthens a cryptic, exonic 3' acceptor site (10 nucleotides downstream from the original site). However, these predictions have yet to be confirmed by functional studies. The variant allele was found at a frequency of 3.3e-05 in 1497762 control chromosomes (gnomAD). This frequency is not significantly higher than estimated for disease-causing variants in ALS2, allowing no conclusion about variant significance. The variant, c.-60-2A>G, has been listed to be observed in the heterozygous state in a cohort of individuals affected with ALS, but was also found in controls (Fiorini_2023). This report does not provide unequivocal conclusions about association of the variant with ALS2-Related Disorders. To our knowledge, no experimental evidence demonstrating an impact on protein function has been reported. The following publications have been ascertained in the context of this evaluation (PMID: 36651276, 40225153). ClinVar contains an entry for this variant (Variation ID: 1299787). Based on the evidence outlined above, the variant was classified as uncertain significance.

PreventionGenetics, part of Exact Sciences
Classification: Likely pathogenic for ALS2-related condition. Last evaluated: 2025-07-31. Review status: criteria provided, single submitter. Criteria: ACMG Guidelines, 2015. Collection method: clinical testing. Allele origin: germline.
Comment: The ALS2 c.-60-2A>G variant is located in the 5' untranslated region. To our knowledge, this variant has not been reported in the literature in association with ALS2-related disorders. This variant is reported in 0.023% of alleles in individuals of African descent in gnomAD. This variant is interpreted as likely pathogenic.

Clinical Genetics DNA and cytogenetics Diagnostics Lab, Erasmus MC, Erasmus Medical Center
Classification: Pathogenic. Review status: no assertion criteria provided. Collection method: clinical testing. Allele origin: germline. Affected: yes. Study: VKGL Data-share Consensus. Not counted in ClinVar's aggregate classification.

Genome Diagnostics Laboratory, Amsterdam University Medical Center
Classification: Likely pathogenic. Review status: no assertion criteria provided. Collection method: clinical testing. Allele origin: germline. Affected: yes. Study: VKGL Data-share Consensus. Not counted in ClinVar's aggregate classification.

Literature cited by the submitters: PubMed 36651276 (cited by Women's Health and Genetics/Laboratory Corporation of America, LabCorp); PubMed 40225153 (cited by Women's Health and Genetics/Laboratory Corporation of America, LabCorp).